The following is an entry in ClinVar:

ClinVar aggregate classification (germline): Likely pathogenic (1 of 4 stars; one submission).

Conditions:
Nemaline myopathy 2 (NEM2). Also called: Nemaline myopathy 2, autosomal recessive. Identifiers: MedGen C1850569, MONDO:0009725, OMIM 256030.

Submission:

Myriad Genetics, Inc.
Classification: Likely pathogenic for Nemaline myopathy 2. Last evaluated: 2021-12-09. Review status: criteria provided, single submitter. Criteria: Myriad Women's Health Autosomal Recessive and X-Linked Classification Criteria (2021). Collection method: clinical testing. Allele origin: unknown.
Comment: NM_001271208.1(NEB):c.21922A>T(K7308*) is expected to be pathogenic in the context of NEB-related nemaline myopathy. This variant is predicted to lead to an abnormal or absent protein product due to the creation of a premature termination codon in NEB, a gene where loss-of-function variants are known to be pathogenic. Please note: this variant was assessed in the context of healthy population screening.

NM_001164508.2(NEB):c.21817A>T (p.Lys7273Ter)

Genes: NEB (nebulin; minus strand), RIF1 (replication timing regulatory factor 1; plus strand). Cytogenetic location: 2q23.3.
Variant type: single nucleotide variant.
Coding change: c.21817A>T on transcript NM_001164508.2 (MANE Select); coding-DNA position 21817, A replaced by T.
Protein change: p.Lys7273Ter; replaces lysine 7273 with a stop codon.
Molecular consequence: nonsense.
Genome position (GRCh38, 1-based): chr2:151,527,504, T>A on the plus strand (A>T on the coding strand, the complement: NEB is on the minus strand). VCF-style: chr2-151527504-T-A. GRCh37 (hg19) VCF-style: chr2-152384018-T-A.
Other names: c.21817A>T, p.Lys7273Ter (NM_001164507.2); c.21922A>T, p.Lys7308Ter (NM_001271208.2); c.16714A>T, p.Lys5572Ter (NM_004543.5); short protein forms K5572*, K7273*, K7308*.
Identifiers: ClinVar variation 1726259 (VCV001726259.2), dbSNP rs2552131173, ClinGen allele CA348768763.